The following is an entry in ClinVar:

ClinVar aggregate classification (germline): Uncertain significance (1 of 4 stars; one submission).

Conditions:
Infantile-onset X-linked spinal muscular atrophy. Also called: AMC, DISTAL, X-LINKED; ARTHROGRYPOSIS, X-LINKED, TYPE I; SPINAL MUSCULAR ATROPHY, X-LINKED LETHAL INFANTILE; Spinal muscular atrophy, X-linked 2; Spinal Muscular Atrophy, X-Linked Infantile. Identifiers: Orphanet 1145, MedGen C1844934, MONDO:0010532, OMIM 301830.

Allele frequency attached by ClinVar (database versions not stated): gnomAD exomes 0.00001; TOPMed 0.00001; ExAC 0.00002; gnomAD 0.00004.
gnomAD v4.1: 4 of 1,206,808 alleles (0.00033%); highest among the groups gnomAD compares: African/African-American, 0.007%; no homozygotes.

Submission:

Labcorp Genetics (formerly Invitae), Labcorp
Classification: Uncertain significance for Infantile-onset X-linked spinal muscular atrophy. Last evaluated: 2022-07-18. Review status: criteria provided, single submitter. Criteria: Invitae Variant Classification Sherloc (09022015). Collection method: clinical testing. Allele origin: germline.
Comment: In summary, the available evidence is currently insufficient to determine the role of this variant in disease. Therefore, it has been classified as a Variant of Uncertain Significance. Algorithms developed to predict the effect of missense changes on protein structure and function are either unavailable or do not agree on the potential impact of this missense change (SIFT: "Tolerated"; PolyPhen-2: "Possibly Damaging"; Align-GVGD: "Class C0"). ClinVar contains an entry for this variant (Variation ID: 1478041). This variant has not been reported in the literature in individuals affected with UBA1-related conditions. The frequency data for this variant in the population databases is considered unreliable, as metrics indicate poor data quality at this position in the gnomAD database. This sequence change replaces valine, which is neutral and non-polar, with isoleucine, which is neutral and non-polar, at codon 589 of the UBA1 protein (p.Val589Ile).

NM_003334.4(UBA1):c.1765G>A (p.Val589Ile)

Gene: UBA1 (ubiquitin like modifier activating enzyme 1; plus strand). Cytogenetic location: Xp11.3.
Variant type: single nucleotide variant.
Coding change: c.1765G>A on transcript NM_003334.4 (MANE Select); coding-DNA position 1765, G replaced by A.
Protein change: p.Val589Ile; replaces valine 589 with isoleucine.
Molecular consequence: missense variant.
Genome position (GRCh38, 1-based): chrX:47,206,271, G>A. VCF-style: chrX-47206271-G-A. GRCh37 (hg19) VCF-style: chrX-47065670-G-A.
Other names: c.1765G>A, p.Val589Ile (NM_153280.3); short protein forms V589I.
Identifiers: ClinVar variation 1478041 (VCV001478041.6), dbSNP rs782106589, ClinGen allele CA10396001.